The following is an entry in ClinVar:

ClinVar aggregate classification (germline): Pathogenic (1 of 4 stars; one submission).

Submission:

Labcorp Genetics (formerly Invitae), Labcorp
Classification: Pathogenic. Last evaluated: 2023-06-09. Review status: criteria provided, single submitter. Criteria: Invitae Variant Classification Sherloc (09022015). Collection method: clinical testing. Allele origin: unknown.
Comment: For these reasons, this variant has been classified as Pathogenic. This variant has not been reported in the literature in individuals affected with ADGRV1-related conditions. This variant is a gross deletion of the genomic region encompassing exon(s) 10-11 of the ADGRV1 gene. This deletion is out-of-frame, and is expected to create a premature termination codon and result in an absent or disrupted protein product. Loss-of-function variants in ADGRV1 are known to be pathogenic (PMID: 19357117, 22135276, 22147658, 26226137, 30718709, 31047384, 32467589).

Literature cited by the submitters: PubMed 19357117; PubMed 22135276; PubMed 22147658; PubMed 26226137; PubMed 30718709; PubMed 31047384; PubMed 32467589.

NC_000005.9:g.(?_89930911)_(89933785_?)del

Gene: ADGRV1 (adhesion G protein-coupled receptor V1; plus strand). Cytogenetic location: 5q14.3.
Variant type: Deletion.
Identifiers: ClinVar variation 3246539 (VCV003246539.1).